The following is an entry in ClinVar:

NM_000718.4(CACNA1B):c.1551A>G (p.Ala517=)

Gene: CACNA1B (calcium voltage-gated channel subunit alpha1 B; plus strand). Cytogenetic location: 9q34.3.
Variant type: single nucleotide variant.
Coding change: c.1551A>G on transcript NM_000718.4 (MANE Select); coding-DNA position 1551, A replaced by G.
Protein change: p.Ala517=; no amino-acid change (alanine 517 retained).
Molecular consequence: synonymous variant.
Genome position (GRCh38, 1-based): chr9:137,975,914, A>G. VCF-style: chr9-137975914-A-G. GRCh37 (hg19) VCF-style: chr9-140870366-A-G.
Other names: c.1551A>G, p.Ala517= (NM_001243812.2).
Identifiers: ClinVar variation 748853 (VCV000748853.34), dbSNP rs199718663, ClinGen allele CA5376208.

ClinVar aggregate classification (germline): Likely benign. Review status: criteria provided, multiple submitters, no conflicts (2 of 4 stars). 3 submissions from 3 submitters: Likely benign (3). Last evaluated 2026-01-26.

Allele frequency attached by ClinVar (database versions not stated): TOPMed 0.00016; gnomAD 0.00024 and 0.00026; ESP Exome Variant Server 0.00025; gnomAD exomes 0.00027; ExAC 0.00040.
gnomAD v4.1: 466 of 1,606,698 alleles (0.029%); highest among the groups gnomAD compares: Non-Finnish European, 0.037%; 1 homozygote.

Submissions (3):

Labcorp Genetics (formerly Invitae), Labcorp
Classification: Likely benign. Last evaluated: 2026-01-26. Review status: criteria provided, single submitter. Criteria: Invitae Variant Classification Sherloc (09022015). Collection method: clinical testing. Allele origin: germline.

CeGaT Center for Human Genetics Tuebingen
Classification: Likely benign. Last evaluated: 2025-11-01. Review status: criteria provided, single submitter. Criteria: CeGaT Center For Human Genetics Tuebingen Variant Classification Criteria Version 2. Collection method: clinical testing. Allele origin: germline. Affected: yes. Observed: 7 variant alleles.
Comment: CACNA1B: BP4, BP7

Blueprint Genetics
Classification: Likely benign. Last evaluated: 2024-11-08. Review status: criteria provided, single submitter. Criteria: ACMG Guidelines, 2015. Collection method: clinical testing. Allele origin: germline.